The following is an entry in ClinVar:

NM_002485.5(NBN):c.753G>C (p.Leu251Phe)

Gene: NBN (nibrin; minus strand). Cytogenetic location: 8q21.3.
Variant type: single nucleotide variant.
Coding change: c.753G>C on transcript NM_002485.5 (MANE Select); coding-DNA position 753, G replaced by C.
Protein change: p.Leu251Phe; replaces leucine 251 with phenylalanine.
Molecular consequence: missense variant.
Genome position (GRCh38, 1-based): chr8:89,970,507, C>G on the plus strand (G>C on the coding strand, the complement: NBN is on the minus strand). VCF-style: chr8-89970507-C-G. GRCh37 (hg19) VCF-style: chr8-90982735-C-G.
Other names: c.507G>C, p.Leu169Phe (NM_001024688.3); short protein forms L169F, L251F.
Identifiers: ClinVar variation 1508471 (VCV001508471.8), dbSNP rs2129830525, ClinGen allele CA371658770.

ClinVar aggregate classification (germline): Uncertain significance (1 of 4 stars; one submission).

Conditions:
Microcephaly, normal intelligence and immunodeficiency (NBS). Also called: BERLIN BREAKAGE SYNDROME; Nijmegen breakage syndrome; Microcephaly with normal intelligence immunodeficiency and lymphoreticular malignancies; Nonsyndromal microcephaly autosomal recessive with normal intelligence; Seemanova syndrome 2; Ataxia telangiectasia variant V1. Identifiers: Orphanet 647, MedGen C0398791, MONDO:0009623, OMIM 251260.

Allele frequency attached by ClinVar (database versions not stated): gnomAD exomes below 0.00001.
gnomAD v4.1: 1 of 1,613,910 alleles (0.000062%); highest among the groups gnomAD compares: Non-Finnish European, 0.000085%; no homozygotes.

Submission:

Labcorp Genetics (formerly Invitae), Labcorp
Classification: Uncertain significance for Microcephaly, normal intelligence and immunodeficiency. Last evaluated: 2021-02-08. Review status: criteria provided, single submitter. Criteria: Invitae Variant Classification Sherloc (09022015). Collection method: clinical testing. Allele origin: germline.
Comment: This sequence change replaces leucine with phenylalanine at codon 251 of the NBN protein (p.Leu251Phe). The leucine residue is highly conserved and there is a small physicochemical difference between leucine and phenylalanine. This variant is not present in population databases (ExAC no frequency). This variant has not been reported in the literature in individuals with NBN-related conditions. Algorithms developed to predict the effect of missense changes on protein structure and function are either unavailable or do not agree on the potential impact of this missense change (SIFT: "Tolerated"; PolyPhen-2: "Probably Damaging"; Align-GVGD: "Class C0"). In summary, the available evidence is currently insufficient to determine the role of this variant in disease. Therefore, it has been classified as a Variant of Uncertain Significance.